The following is an entry in ClinVar:

ClinVar aggregate classification (germline): Pathogenic. Review status: criteria provided, multiple submitters, no conflicts (2 of 4 stars). 5 submissions from 5 submitters: Pathogenic (4). 1 of the submissions does not count toward it. Last evaluated 2025-05-05.

Conditions:
CNGA3-related disorders.
Achromatopsia 2 (ACHM2). Also called: ROD MONOCHROMACY 2; ROD MONOCHROMATISM 2; COLORBLINDNESS, TOTAL. Identifiers: Orphanet 49382, MedGen C1857618, MONDO:0009003, OMIM 216900.

Allele frequency attached by ClinVar (database versions not stated): gnomAD exomes 0.00001; TOPMed 0.00001; gnomAD 0.00003.
gnomAD v4.1: 12 of 1,614,024 alleles (0.00074%); highest among the groups gnomAD compares: Middle Eastern, 0.016%; no homozygotes.

Submissions (5):

Labcorp Genetics (formerly Invitae), Labcorp
Classification: Pathogenic. Last evaluated: 2025-05-05. Review status: criteria provided, single submitter. Criteria: Invitae Variant Classification Sherloc (09022015). Collection method: clinical testing. Allele origin: germline.
Comment: This sequence change replaces cysteine, which is neutral and slightly polar, with tyrosine, which is neutral and polar, at codon 191 of the CNGA3 protein (p.Cys191Tyr). This variant is present in population databases (rs761554853, gnomAD 0.004%). This missense change has been observed in individual(s) with clinical features of achromatopsia (PMID: 11536077, 28559085; internal data). In at least one individual the data is consistent with being in trans (on the opposite chromosome) from a pathogenic variant. ClinVar contains an entry for this variant (Variation ID: 866560). Invitae Evidence Modeling of protein sequence and biophysical properties (such as structural, functional, and spatial information, amino acid conservation, physicochemical variation, residue mobility, and thermodynamic stability) indicates that this missense variant is expected to disrupt CNGA3 protein function with a positive predictive value of 95%. Experimental studies have shown that this missense change affects CNGA3 function (PMID: 15980212, 17693388). For these reasons, this variant has been classified as Pathogenic.

Women's Health and Genetics/Laboratory Corporation of America, LabCorp
Classification: Pathogenic for Achromatopsia 2. Last evaluated: 2024-09-16. Review status: criteria provided, single submitter. Criteria: LabCorp Variant Classification Summary - May 2015. Collection method: clinical testing. Allele origin: germline.
Comment: Variant summary: CNGA3 c.572G>A (p.Cys191Tyr) results in a non-conservative amino acid change located in the Ion transport domain (IPR005821) of the encoded protein sequence. Five of five in-silico tools predict a damaging effect of the variant on protein function. The variant allele was found at a frequency of 1.2e-05 in 251452 control chromosomes. c.572G>A has been reported in the literature in the presumed compound heterozygous or homozygous state in multiple individuals affected with clinical features of Achromatopsia (example, Stone_2017, Wissinger_2001). These data indicate that the variant is likely to be associated with disease. At least one publication reports experimental evidence evaluating an impact on protein function. The most pronounced variant effect results in <10% of normal channel activity in vitro (example, Muraki-Oda_2007). The following publications have been ascertained in the context of this evaluation (PMID: 17693388, 28559085, 11536077). ClinVar contains an entry for this variant (Variation ID: 866560). Based on the evidence outlined above, the variant was classified as pathogenic.

CeGaT Center for Human Genetics Tuebingen
Classification: Pathogenic. Last evaluated: 2023-07-01. Review status: criteria provided, single submitter. Criteria: CeGaT Center For Human Genetics Tuebingen Variant Classification Criteria Version 2. Collection method: clinical testing. Allele origin: germline. Affected: yes. Observed: 3 variant alleles.
Comment: CNGA3: PM3:Strong, PP4:Strong, PM2, PS3:Supporting

Blueprint Genetics
Classification: Pathogenic for CNGA3-related disorders. Last evaluated: 2022-09-26. Review status: criteria provided, single submitter. Criteria: ACMG Guidelines, 2015. Collection method: clinical testing. Allele origin: germline. Affected: yes. Observed: 5 variant alleles.

Laboratory of Genetics in Ophthalmology, Institut Imagine
Classification: Likely pathogenic for Achromatopsia 2. Review status: no assertion criteria provided. Collection method: research. Allele origin: inherited. Affected: yes. Observed: 1 variant allele. Not counted in ClinVar's aggregate classification.

Literature cited by the submitters: PubMed 11536077 (cited by 3 submitters); PubMed 28559085 (cited by Labcorp Genetics (formerly Invitae), Labcorp and Women's Health and Genetics/Laboratory Corporation of America, LabCorp); PubMed 15980212 (cited by Labcorp Genetics (formerly Invitae), Labcorp); PubMed 17693388 (cited by Labcorp Genetics (formerly Invitae), Labcorp and Women's Health and Genetics/Laboratory Corporation of America, LabCorp).

NM_001298.3(CNGA3):c.572G>A (p.Cys191Tyr)

Gene: CNGA3 (cyclic nucleotide gated channel subunit alpha 3; plus strand). Cytogenetic location: 2q11.2.
Variant type: single nucleotide variant.
Coding change: c.572G>A on transcript NM_001298.3 (MANE Select); coding-DNA position 572, G replaced by A.
Protein change: p.Cys191Tyr; replaces cysteine 191 with tyrosine.
Molecular consequence: missense variant.
Genome position (GRCh38, 1-based): chr2:98,391,869, G>A. VCF-style: chr2-98391869-G-A. GRCh37 (hg19) VCF-style: chr2-99008332-G-A.
Other names: c.518G>A, p.Cys173Tyr (NM_001079878.2); short protein forms C173Y, C191Y.
Identifiers: ClinVar variation 866560 (VCV000866560.52), dbSNP rs761554853, ClinGen allele CA1793817.